The following is an entry in ClinVar:

ClinVar aggregate classification (germline): Uncertain significance (1 of 4 stars; one submission).

Conditions:
Acrocallosal syndrome (ACLS). Also called: HALLUX DUPLICATION, POSTAXIAL POLYDACTYLY, AND ABSENCE OF CORPUS CALLOSUM; Schinzel syndrome 1; Absence of corpus callosum with unusual facial appearance, mental deficiency, duplication of the halluces and polydactyly. Identifiers: Orphanet 36, MedGen C0796147, MONDO:0008708, OMIM 200990.

Allele frequency attached by ClinVar (database versions not stated): gnomAD exomes below 0.00001 and 0.00001; ExAC 0.00001; TOPMed 0.00002; gnomAD 0.00003; ESP Exome Variant Server 0.00008.
gnomAD v4.1: 8 of 1,612,158 alleles (0.0005%); highest among the groups gnomAD compares: African/African-American, 0.011%; no homozygotes.

Submission:

Labcorp Genetics (formerly Invitae), Labcorp
Classification: Uncertain significance for Acrocallosal syndrome. Last evaluated: 2021-09-04. Review status: criteria provided, single submitter. Criteria: Invitae Variant Classification Sherloc (09022015). Collection method: clinical testing. Allele origin: germline.
Comment: This sequence change replaces leucine with serine at codon 1321 of the KIF7 protein (p.Leu1321Ser). The leucine residue is moderately conserved and there is a large physicochemical difference between leucine and serine. This variant is present in population databases (rs375983330, ExAC 0.01%). This variant has not been reported in the literature in individuals affected with KIF7-related conditions. Algorithms developed to predict the effect of missense changes on protein structure and function output the following: SIFT: "Deleterious"; PolyPhen-2: "Benign"; Align-GVGD: "Class C0". The serine amino acid residue is found in multiple mammalian species, which suggests that this missense change does not adversely affect protein function. In summary, the available evidence is currently insufficient to determine the role of this variant in disease. Therefore, it has been classified as a Variant of Uncertain Significance.

NM_198525.3(KIF7):c.3962T>C (p.Leu1321Ser)

Gene: KIF7 (kinesin family member 7; minus strand). Cytogenetic location: 15q26.1.
Variant type: single nucleotide variant.
Coding change: c.3962T>C on transcript NM_198525.3 (MANE Select); coding-DNA position 3962, T replaced by C.
Protein change: p.Leu1321Ser; replaces leucine 1321 with serine.
Molecular consequence: missense variant.
Genome position (GRCh38, 1-based): chr15:89,628,489, A>G on the plus strand (T>C on the coding strand, the complement: KIF7 is on the minus strand). VCF-style: chr15-89628489-A-G. GRCh37 (hg19) VCF-style: chr15-90171720-A-G.
Other names: short protein forms L1321S.
Identifiers: ClinVar variation 1509374 (VCV001509374.3), dbSNP rs375983330, ClinGen allele CA7727467.
Genomic context (GRCh38, chr15:89,628,489, plus strand): 5'-TTTTTCCGGACATCAATCATCCCCGGGCTGGCTCGTCGCAGTTCCCGCCGGGGCTTGGAC[A>G]AAGGCCCAAAGTTCCAGGGCAGGCCTGCCTCACCCACAGGAAGCACCCGCCCCACCAGGG-3'
Protein context (NP_940927.2, residues 1311-1331): EAGLPWNFGP[Leu1321Ser]SKPRRELRRA